The following is an entry in ClinVar:

NM_014795.4(ZEB2):c.2255C>G (p.Thr752Arg)

Gene: ZEB2 (zinc finger E-box binding homeobox 2; minus strand). Cytogenetic location: 2q22.3.
Variant type: single nucleotide variant.
Coding change: c.2255C>G on transcript NM_014795.4 (MANE Select); coding-DNA position 2255, C replaced by G.
Protein change: p.Thr752Arg; replaces threonine 752 with arginine.
Molecular consequence: missense variant.
Genome position (GRCh38, 1-based): chr2:144,398,932, G>C on the plus strand (C>G on the coding strand, the complement: ZEB2 is on the minus strand). VCF-style: chr2-144398932-G-C. GRCh37 (hg19) VCF-style: chr2-145156499-G-C.
Other names: p.T752R:ACG>AGG; c.2183C>G, p.Thr728Arg (NM_001171653.2); short protein forms T752R, T728R.
Identifiers: ClinVar variation 181716 (VCV000181716.14), dbSNP rs143438888, ClinGen allele CA297568.

ClinVar aggregate classification (germline): Benign/Likely benign. Review status: criteria provided, multiple submitters, no conflicts (2 of 4 stars). 4 submissions from 4 submitters: Benign (1); Likely benign (3). Last evaluated 2024-10-22.

Conditions:
Inborn genetic diseases. Identifiers: MedGen C0950123, MeSH D030342.
Mowat-Wilson syndrome (MOWS). Also called: Classic Mowat-Wilson Syndrome. Identifiers: Orphanet 2152, MedGen C1856113, MONDO:0009341, OMIM 235730.

Allele frequency attached by ClinVar (database versions not stated): TOPMed 0.00004; ESP Exome Variant Server 0.00008.
gnomAD v4.1: 16 of 1,614,048 alleles (0.00099%); highest among the groups gnomAD compares: East Asian, 0.0022%; no homozygotes.

Submissions (4):

Labcorp Genetics (formerly Invitae), Labcorp
Classification: Benign for Mowat-Wilson syndrome. Last evaluated: 2024-10-22. Review status: criteria provided, single submitter. Criteria: Invitae Variant Classification Sherloc (09022015). Collection method: clinical testing. Allele origin: germline.

Ambry Genetics
Classification: Likely benign for Inborn genetic diseases. Last evaluated: 2022-09-28. Review status: criteria provided, single submitter. Criteria: Ambry Variant Classification Scheme 2023. Collection method: clinical testing. Allele origin: germline.

Genome-Nilou Lab
Classification: Likely benign for Mowat-Wilson syndrome. Last evaluated: 2021-11-07. Review status: criteria provided, single submitter. Criteria: ACMG Guidelines, 2015. Collection method: clinical testing. Allele origin: germline. Affected: no.

GeneDx
Classification: Likely benign. Last evaluated: 2013-08-26. Review status: criteria provided, single submitter. Criteria: GeneDx Variant Classification (06012015). Collection method: clinical testing. Allele origin: germline. Affected: yes.
Comment: This variant is considered likely benign or benign based on one or more of the following criteria: it is a conservative change, it occurs at a poorly conserved position in the protein, it is predicted to be benign by multiple in silico algorithms, and/or has population frequency not consistent with disease.